The following is an entry in ClinVar:

ClinVar aggregate classification (germline): Uncertain significance. Review status: criteria provided, multiple submitters, no conflicts (2 of 4 stars). 2 submissions from 2 submitters: Uncertain significance (2). Last evaluated 2026-07-28.

Conditions:
Nephronophthisis 15 (NPHP15). Identifiers: Orphanet 3156, MedGen C3541853, MONDO:0013917, OMIM 614845.
CEP164-related disorder. Also called: CEP164-related condition.

Allele frequency attached by ClinVar (database versions not stated): TOPMed 0.00001.

Submissions (2):

PreventionGenetics, part of Exact Sciences
Classification: Uncertain significance for CEP164-related condition. Last evaluated: 2026-07-28. Review status: criteria provided, single submitter. Criteria: ACMG Guidelines, 2015. Collection method: clinical testing. Allele origin: germline.
Comment: The CEP164 c.1229G>A variant is predicted to result in the amino acid substitution p.Gly410Asp. To our knowledge, this variant has not been reported in the literature. This variant is reported in 0.0% of alleles in individuals of African descent in gnomAD. At this time, the clinical significance of this variant is uncertain due to the absence of conclusive functional and genetic evidence.

Labcorp Genetics (formerly Invitae), Labcorp
Classification: Uncertain significance for Nephronophthisis 15. Last evaluated: 2022-06-27. Review status: criteria provided, single submitter. Criteria: Invitae Variant Classification Sherloc (09022015). Collection method: clinical testing. Allele origin: germline.
Comment: In summary, the available evidence is currently insufficient to determine the role of this variant in disease. Therefore, it has been classified as a Variant of Uncertain Significance. Algorithms developed to predict the effect of missense changes on protein structure and function output the following: SIFT: "Tolerated"; PolyPhen-2: "Benign"; Align-GVGD: "Class C0". The aspartic acid amino acid residue is found in multiple mammalian species, which suggests that this missense change does not adversely affect protein function. This variant has not been reported in the literature in individuals affected with CEP164-related conditions. This variant is not present in population databases (gnomAD no frequency). This sequence change replaces glycine, which is neutral and non-polar, with aspartic acid, which is acidic and polar, at codon 410 of the CEP164 protein (p.Gly410Asp).

NM_014956.5(CEP164):c.1229G>A (p.Gly410Asp)

Gene: CEP164 (centrosomal protein 164; plus strand). Cytogenetic location: 11q23.3.
Variant type: single nucleotide variant.
Coding change: c.1229G>A on transcript NM_014956.5 (MANE Select); coding-DNA position 1229, G replaced by A.
Protein change: p.Gly410Asp; replaces glycine 410 with aspartic acid.
Molecular consequence: missense variant.
Genome position (GRCh38, 1-based): chr11:117,373,827, G>A. VCF-style: chr11-117373827-G-A. GRCh37 (hg19) VCF-style: chr11-117244543-G-A.
Other names: c.1229G>A (NM_014956.4); c.1229G>A, p.Gly410Asp (NM_001271933.2); short protein forms G410D.
Identifiers: ClinVar variation 1374668 (VCV001374668.9), dbSNP rs1394172852, ClinGen allele CA382739661.